The following is an entry in ClinVar:

NM_000132.4(F8):c.1286A>G (p.Gln429Arg)

Gene: F8 (coagulation factor VIII; minus strand). Cytogenetic location: Xq28.
Variant type: single nucleotide variant.
Coding change: c.1286A>G on transcript NM_000132.4 (MANE Select); coding-DNA position 1286, A replaced by G.
Protein change: p.Gln429Arg; replaces glutamine 429 with arginine.
Molecular consequence: missense variant.
Genome position (GRCh38, 1-based): chrX:154,966,127, T>C on the plus strand (A>G on the coding strand, the complement: F8 is on the minus strand). VCF-style: chrX-154966127-T-C. GRCh37 (hg19) VCF-style: chrX-154194402-T-C.
Other names: short protein forms Q429R.
Identifiers: ClinVar variation 4989892 (VCV004989892.1).

ClinVar aggregate classification (germline): Uncertain significance (1 of 4 stars; one submission).

Conditions:
F8-related disorder. Also called: F8-related condition.

gnomAD v4.1: 9 of 1,208,296 alleles (0.00074%); highest among the groups gnomAD compares: African/African-American, 0.01%; no homozygotes.

Submission:

PreventionGenetics, part of Exact Sciences
Classification: Uncertain significance for F8-related condition. Last evaluated: 2024-10-27. Review status: criteria provided, single submitter. Criteria: ACMG Guidelines, 2015. Collection method: clinical testing. Allele origin: germline.
Comment: The F8 c.1286A>G variant is predicted to result in the amino acid substitution p.Gln429Arg. To our knowledge, this variant has not been reported in the literature or in a large population database (gnomAD), indicating this variant is rare. At this time, the clinical significance of this variant is uncertain due to the absence of conclusive functional and genetic evidence.